The following is an entry in ClinVar:

ClinVar aggregate classification (germline): Uncertain significance (1 of 4 stars; one submission).

Submission:

Labcorp Genetics (formerly Invitae), Labcorp
Classification: Uncertain significance. Last evaluated: 2023-12-12. Review status: criteria provided, single submitter. Criteria: Invitae Variant Classification Sherloc (09022015). Collection method: clinical testing. Allele origin: germline.
Comment: A gross deletion of the genomic region encompassing the full coding sequence of the GATA5 gene has been identified. The current clinical and genetic evidence is not sufficient to establish whether loss-of-function variants in GATA5 cause disease. The boundaries of this event are unknown as they extend beyond the assayed region for this gene and therefore may encompass additional genes. This variant has not been reported in the literature in individuals affected with GATA5-related conditions. In summary, the available evidence is currently insufficient to determine the role of this variant in disease. Therefore, it has been classified as a Variant of Uncertain Significance.

NC_000020.10:g.(?_61039892)_(61050577_?)del

Gene: GATA5 (GATA binding protein 5; minus strand). Cytogenetic location: 20q13.33.
Variant type: Deletion.
Identifiers: ClinVar variation 2427178 (VCV002427178.4).